The following is an entry in ClinVar:

ClinVar aggregate classification (germline): Conflicting classifications of pathogenicity. Review status: criteria provided, conflicting classifications (1 of 4 stars). 14 submissions from 14 submitters: Pathogenic (4); Likely pathogenic (4); Uncertain significance (1). 5 of the submissions do not count toward it. Last evaluated 2026-02-19.

Conditions:
NDUFS7-related disorder. Also called: NDUFS7-related condition.
Possible mitochondrial disorder - nuclear genes.
Mitochondrial complex I deficiency, nuclear type 3. Also called: Mitochondrial complex 1 deficiency, nuclear type 3. Identifiers: MedGen C4748752, MONDO:0032608, OMIM 618224.
Leigh syndrome (NULS). Also called: Leigh's necrotizing encephalopathy; Leigh's disease; LEIGH SYNDROME, NUCLEAR; Leigh's syndrome; Leigh Syndrome (mtDNA deletion); Leigh Disease. Identifiers: Orphanet 506, MedGen C2931891, MONDO:0009723, OMIM 256000.

Allele frequency attached by ClinVar (database versions not stated): ExAC 0.00003; TOPMed 0.00004; gnomAD exomes 0.00006; gnomAD 0.00008 and 0.00009.
gnomAD v4.1: 137 of 1,613,212 alleles (0.0085%); highest among the groups gnomAD compares: Non-Finnish European, 0.011%; no homozygotes.

Submissions (14):

Genetics Laboratory, Great Ormond Street Hospital NHS Foundation Trust, North Thames Genomic Laboratory Hub
Classification: Uncertain significance for Possible mitochondrial disorder - nuclear genes. Last evaluated: 2026-02-19. Review status: criteria provided, single submitter. Criteria: ACGS Best Practice Guidelines for Variant Classification in Rare Disease 2024 v1.2. Collection method: clinical testing. Allele origin: germline. Affected: yes.
Comment: PP3_supporting, PS3_supporting, PM3_moderate

Labcorp Genetics (formerly Invitae), Labcorp
Classification: Likely pathogenic. Last evaluated: 2025-06-11. Review status: criteria provided, single submitter. Criteria: Invitae Variant Classification Sherloc (09022015). Collection method: clinical testing. Allele origin: germline.
Comment: This sequence change replaces valine, which is neutral and non-polar, with methionine, which is neutral and non-polar, at codon 122 of the NDUFS7 protein (p.Val122Met). This variant is present in population databases (rs104894705, gnomAD 0.009%). This missense change has been observed in individuals with autosomal recessive Leigh syndrome (PMID: 10330338, 10360771, 30369941). It has also been observed to segregate with disease in related individuals. ClinVar contains an entry for this variant (Variation ID: 7681). An algorithm developed to predict the effect of missense changes on protein structure and function (PolyPhen-2) suggests that this variant is likely to be disruptive. Experimental studies have shown that this missense change affects NDUFS7 function (PMID: 11004438). In summary, the currently available evidence indicates that the variant is pathogenic, but additional data are needed to prove that conclusively. Therefore, this variant has been classified as Likely Pathogenic.

PreventionGenetics, part of Exact Sciences
Classification: Pathogenic for NDUFS7-related condition. Last evaluated: 2024-11-25. Review status: criteria provided, single submitter. Criteria: ACMG Guidelines, 2015. Collection method: clinical testing. Allele origin: germline.
Comment: The NDUFS7 c.364G>A variant is predicted to result in the amino acid substitution p.Val122Met. This variant has been reported in multiple individuals with Leigh syndrome and noted to segregate with the disorder in at least one family (see for example, Triepels et al. 1999. PubMed ID: 10360771; Voets et al. 2011. PubMed ID: 22033105; Hewson et al. 2018. PubMed ID: 29144225). This variant has also been noted in an individual with both Leigh syndrome spectrum and Leber hereditary optic neuropathy who also carried an MT-ND4 homoplasmic variant, suggesting a potential digenic mitochondrial effect (Blickhäuser et al. 2024. PubMed ID: 38478578). Experimental studies indicate this variant impacts protein function (see for example, Triepels et al. 1999. PubMed ID: 10360771; Visch et al. 2004. PubMed ID: 15269216; Pagniez-Mammeri et al. 2011. PubMed ID: 22142868). This variant is reported in 0.0094% of alleles in individuals of European (non-Finnish) descent in gnomAD. This variant is interpreted as pathogenic.

GeneDx
Classification: Pathogenic. Last evaluated: 2024-11-15. Review status: criteria provided, single submitter. Criteria: GeneDx Variant Classification Process June 2021. Collection method: clinical testing. Allele origin: germline. Affected: yes.
Comment: In vitro functional study in yeast indicated that the V119M variant in NUKM, that corresponds to the V122M variant in NDUFS7 gene in humans, impairs complex I activity (PMID: 11004438); In silico analysis supports that this missense variant has a deleterious effect on protein structure/function; Not observed at significant frequency in large population cohorts (gnomAD); This variant is associated with the following publications: (PMID: 10330338, 22033105, 14749350, 29144225, 31014978, 30369941, 29977174, 15269216, 18513682, 15576052, 10360771, 36557887, 35718301, 11004438)

CeGaT Center for Human Genetics Tuebingen
Classification: Likely pathogenic. Last evaluated: 2024-10-01. Review status: criteria provided, single submitter. Criteria: CeGaT Center For Human Genetics Tuebingen Variant Classification Criteria Version 2. Collection method: clinical testing. Allele origin: germline. Affected: yes. Observed: 1 variant allele.
Comment: NDUFS7: PM2, PM3, PP3, PP4, PS3:Supporting

Fulgent Genetics
Classification: Likely pathogenic for Mitochondrial complex I deficiency, nuclear type 3. Last evaluated: 2024-05-08. Review status: criteria provided, single submitter. Criteria: ACMG Guidelines, 2015. Collection method: clinical testing. Allele origin: germline.

Women's Health and Genetics/Laboratory Corporation of America, LabCorp
Classification: Pathogenic for Leigh syndrome. Last evaluated: 2023-02-01. Review status: criteria provided, single submitter. Criteria: LabCorp Variant Classification Summary - May 2015. Collection method: clinical testing. Allele origin: germline.
Comment: Variant summary: NDUFS7 c.364G>A (p.Val122Met) results in a conservative amino acid change located in the NADH:ubiquinone oxidoreductase-like, 20kDa subunit (IPR006137) of the encoded protein sequence. The variant allele was found at a frequency of 5.6e-05 in 249914 control chromosomes (gnomAD). This frequency is not significantly higher than expected for a pathogenic variant in NDUFS7 causing Leigh Syndrome (5.6e-05 vs 0.0013), allowing no conclusion about variant significance. c.364G>A has been reported in the literature in multiple individuals affected with Complex 1 deficiency and Leigh Syndrome (examples: Triepels_1999 and Theunissen_2018). These data indicate that the variant is very likely to be associated with disease. At least one publication reports experimental evidence evaluating an impact on protein function. V119M in NUKM protein of Y. lipolytica corresponds to V122M variant in NDUFS7 gene in humans, this variant impaired complex1 activity in vitro (Ahlers_2000). One clinical diagnostic laboratory has submitted clinical-significance assessments for this variant to ClinVar after 2014 and classified the variant as pathogenic. Based on the evidence outlined above, the variant was classified as pathogenic.

Revvity Omics, Revvity
Classification: Likely pathogenic for Mitochondrial complex I deficiency, nuclear type 3. Last evaluated: 2022-08-05. Review status: criteria provided, single submitter. Criteria: ACMG Guidelines, 2015. Collection method: clinical testing. Allele origin: germline.

Baylor Genetics
Classification: Pathogenic for Mitochondrial complex I deficiency, nuclear type 3. Last evaluated: 2022-02-18. Review status: criteria provided, single submitter. Criteria: ACMG Guidelines, 2015. Collection method: clinical testing. Allele origin: unknown.

OMIM
Classification: Pathogenic for MITOCHONDRIAL COMPLEX I DEFICIENCY, NUCLEAR TYPE 3. Last evaluated: 2004-09-24. Review status: no assertion criteria provided. Collection method: literature only. Allele origin: germline. Not counted in ClinVar's aggregate classification.

Diagnostic Laboratory, Department of Genetics, University Medical Center Groningen
Classification: Likely pathogenic. Review status: no assertion criteria provided. Collection method: clinical testing. Allele origin: germline. Affected: yes. Study: VKGL Data-share Consensus. Not counted in ClinVar's aggregate classification.

Genome Diagnostics Laboratory, Amsterdam University Medical Center
Classification: Pathogenic. Review status: no assertion criteria provided. Collection method: clinical testing. Allele origin: germline. Affected: yes. Study: VKGL Data-share Consensus. Not counted in ClinVar's aggregate classification.

Genome Diagnostics Laboratory, University Medical Center Utrecht
Classification: Likely pathogenic. Review status: no assertion criteria provided. Collection method: clinical testing. Allele origin: germline. Affected: yes. Study: VKGL Data-share Consensus. Not counted in ClinVar's aggregate classification.

Joint Genome Diagnostic Labs from Nijmegen and Maastricht, Radboudumc and MUMC+
Classification: Pathogenic. Review status: no assertion criteria provided. Collection method: clinical testing. Allele origin: germline. Affected: yes. Study: VKGL Data-share Consensus. Not counted in ClinVar's aggregate classification.

Literature cited by the submitters: PubMed 10330338 (cited by Labcorp Genetics (formerly Invitae), Labcorp and OMIM); PubMed 10360771 (cited by Labcorp Genetics (formerly Invitae), Labcorp and Women's Health and Genetics/Laboratory Corporation of America, LabCorp); PubMed 30369941 (cited by Labcorp Genetics (formerly Invitae), Labcorp and Women's Health and Genetics/Laboratory Corporation of America, LabCorp); PubMed 11004438 (cited by Labcorp Genetics (formerly Invitae), Labcorp and Women's Health and Genetics/Laboratory Corporation of America, LabCorp); PubMed 15269216 (cited by OMIM).

NM_024407.5(NDUFS7):c.364G>A (p.Val122Met)

Gene: NDUFS7 (NADH:ubiquinone oxidoreductase core subunit S7; plus strand). Cytogenetic location: 19p13.3.
Variant type: single nucleotide variant.
Coding change: c.364G>A on transcript NM_024407.5 (MANE Select); coding-DNA position 364, G replaced by A.
Protein change: p.Val122Met; replaces valine 122 with methionine.
Molecular consequence: missense variant.
Genome position (GRCh38, 1-based): chr19:1,391,006, G>A. VCF-style: chr19-1391006-G-A. GRCh37 (hg19) VCF-style: chr19-1391005-G-A.
Other names: c.364G>A, p.Val122Met (NM_001363602.2); short protein forms V122M.
Identifiers: ClinVar variation 7681 (VCV000007681.36), dbSNP rs104894705, ClinGen allele CA118993.
Genomic context (GRCh38, chr19:1,391,006, plus strand): 5'-GACATGGACCGCTTTGGCGTGGTCTTCCGCGCCAGCCCGCGCCAGTCCGACGTCATGATC[G>A]TGGCCGGCACACTCACCAACAAGATGGCCCCAGCGCTTCGCAAGGTAGGCCTCGTCCCAG-3'
Protein context (NP_077718.3, residues 112-132): ASPRQSDVMI[Val122Met]AGTLTNKMAP